The following is an entry in ClinVar:

ClinVar aggregate classification (germline): Uncertain significance. Review status: criteria provided, multiple submitters, no conflicts (2 of 4 stars). 2 submissions from 2 submitters: Uncertain significance (2). Last evaluated 2022-10-13.

Conditions:
Charcot-Marie-Tooth disease type 2. Also called: Charcot-Marie-Tooth type 2. Identifiers: Orphanet 64746, MedGen C0270914, MONDO:0018993.

Allele frequency attached by ClinVar (database versions not stated): gnomAD exomes 0.00006 and 0.00002; gnomAD 0.00004 and 0.00005; TOPMed 0.00006; ExAC 0.00001.
gnomAD v4.1: 93 of 1,611,194 alleles (0.0058%); highest among the groups gnomAD compares: Non-Finnish European, 0.0071%; no homozygotes.

Submissions (2):

Labcorp Genetics (formerly Invitae), Labcorp
Classification: Uncertain significance for Charcot-Marie-Tooth disease type 2. Last evaluated: 2022-10-13. Review status: criteria provided, single submitter. Criteria: Invitae Variant Classification Sherloc (09022015). Collection method: clinical testing. Allele origin: germline.
Comment: This sequence change replaces threonine, which is neutral and polar, with methionine, which is neutral and non-polar, at codon 359 of the MED25 protein (p.Thr359Met). This variant is present in population databases (rs750201507, gnomAD 0.004%). This variant has not been reported in the literature in individuals affected with MED25-related conditions. ClinVar contains an entry for this variant (Variation ID: 576841). Algorithms developed to predict the effect of missense changes on protein structure and function are either unavailable or do not agree on the potential impact of this missense change (SIFT: "Tolerated"; PolyPhen-2: "Possibly Damaging"; Align-GVGD: "Class C0"). In summary, the available evidence is currently insufficient to determine the role of this variant in disease. Therefore, it has been classified as a Variant of Uncertain Significance.

Breakthrough Genomics
Classification: Uncertain significance. Review status: criteria provided, single submitter. Criteria: ACMG Guidelines, 2015. Collection method: not provided. Allele origin: germline. Inheritance: Autosomal dominant inheritance. Affected: yes.

NM_030973.4(MED25):c.1076C>T (p.Thr359Met)

Gene: MED25 (mediator complex subunit 25; plus strand). Cytogenetic location: 19q13.33.
Variant type: single nucleotide variant.
Coding change: c.1076C>T on transcript NM_030973.4 (MANE Select); coding-DNA position 1076, C replaced by T.
Protein change: p.Thr359Met; replaces threonine 359 with methionine.
Molecular consequence: missense variant.
Genome position (GRCh38, 1-based): chr19:49,830,862, C>T. VCF-style: chr19-49830862-C-T. GRCh37 (hg19) VCF-style: chr19-50334119-C-T.
Other names: c.1076C>T, p.Thr359Met (NM_001378355.1); short protein forms T359M.
Identifiers: ClinVar variation 576841 (VCV000576841.5), dbSNP rs750201507, ClinGen allele CA9585125.